The following is an entry in ClinVar:

NM_000051.4(ATM):c.3532A>C (p.Lys1178Gln)

Gene: ATM (ATM serine/threonine kinase; plus strand). Cytogenetic location: 11q22.3.
Variant type: single nucleotide variant.
Coding change: c.3532A>C on transcript NM_000051.4 (MANE Select); coding-DNA position 3532, A replaced by C.
Protein change: p.Lys1178Gln; replaces lysine 1178 with glutamine.
Molecular consequence: missense variant.
Genome position (GRCh38, 1-based): chr11:108,281,124, A>C. VCF-style: chr11-108281124-A-C. GRCh37 (hg19) VCF-style: chr11-108151851-A-C.
Other names: c.3532A>C, p.Lys1178Gln (NM_001351834.2); short protein forms K1178Q.
Identifiers: ClinVar variation 823896 (VCV000823896.14), dbSNP rs1555091359, ClinGen allele CA382520192.

ClinVar aggregate classification (germline): Uncertain significance. Review status: criteria provided, multiple submitters, no conflicts (2 of 4 stars). 2 submissions from 2 submitters: Uncertain significance (2). Last evaluated 2024-02-07.

Conditions:
Ataxia-telangiectasia syndrome (AT). Also called: ATAXIA-TELANGIECTASIA, COMPLEMENTATION GROUP A; ATAXIA-TELANGIECTASIA, FRESNO VARIANT; Ataxia-telangiectasia, complementation group E; Ataxia telangiectasia (A-T); LOUIS-BAR SYNDROME; Cerebello-oculocutaneous telangiectasia. Identifiers: Orphanet 100, MedGen C0004135, MONDO:0008840, OMIM 208900.
Hereditary cancer-predisposing syndrome. Also called: Neoplastic Syndromes, Hereditary; Hereditary Cancer Syndrome; Hereditary neoplastic syndrome; Tumor predisposition. Identifiers: Orphanet 140162, MedGen C0027672, MeSH D009386, MONDO:0015356.

gnomAD v4.1: 1 of 1,614,064 alleles (0.000062%); highest among the groups gnomAD compares: Non-Finnish European, 0.000085%; no homozygotes.

Submissions (2):

Labcorp Genetics (formerly Invitae), Labcorp
Classification: Uncertain significance for Ataxia-telangiectasia syndrome. Last evaluated: 2024-02-07. Review status: criteria provided, single submitter. Criteria: Invitae Variant Classification Sherloc (09022015). Collection method: clinical testing. Allele origin: germline.
Comment: This sequence change replaces lysine, which is basic and polar, with glutamine, which is neutral and polar, at codon 1178 of the ATM protein (p.Lys1178Gln). This variant is not present in population databases (gnomAD no frequency). This variant has not been reported in the literature in individuals affected with ATM-related conditions. ClinVar contains an entry for this variant (Variation ID: 823896). Algorithms developed to predict the effect of missense changes on protein structure and function output the following: SIFT: "Not Available"; PolyPhen-2: "Benign"; Align-GVGD: "Not Available". The glutamine amino acid residue is found in multiple mammalian species, which suggests that this missense change does not adversely affect protein function. In summary, the available evidence is currently insufficient to determine the role of this variant in disease. Therefore, it has been classified as a Variant of Uncertain Significance.

Ambry Genetics
Classification: Uncertain significance for Hereditary cancer-predisposing syndrome. Last evaluated: 2019-12-12. Review status: criteria provided, single submitter. Criteria: Ambry Variant Classification Scheme 2023. Collection method: clinical testing. Allele origin: germline.
Comment: The p.K1178Q variant (also known as c.3532A>C), located in coding exon 23 of the ATM gene, results from an A to C substitution at nucleotide position 3532. The lysine at codon 1178 is replaced by glutamine, an amino acid with similar properties. This amino acid position is not well conserved in available vertebrate species. In addition, this alteration is predicted to be tolerated by in silico analysis. Since supporting evidence is limited at this time, the clinical significance of this alteration remains unclear.